The following is an entry in ClinVar:

NM_001077525.3(MTMR14):c.27C>T (p.Ala9=)

Gene: MTMR14 (myotubularin related protein 14; plus strand). Cytogenetic location: 3p25.3.
Variant type: single nucleotide variant.
Coding change: c.27C>T on transcript NM_001077525.3 (MANE Select); coding-DNA position 27, C replaced by T.
Protein change: p.Ala9=; no amino-acid change (alanine 9 retained).
Molecular consequence: synonymous variant.
Genome position (GRCh38, 1-based): chr3:9,649,610, C>T. VCF-style: chr3-9649610-C-T. GRCh37 (hg19) VCF-style: chr3-9691294-C-T.
Other names: c.27C>T, p.Ala9= (NM_001077526.3, NM_022485.5).
Identifiers: ClinVar variation 1663141 (VCV001663141.32), dbSNP rs1432784235, ClinGen allele CA432508133.

ClinVar aggregate classification (germline): Likely benign. Review status: criteria provided, multiple submitters, no conflicts (2 of 4 stars). 2 submissions from 2 submitters: Likely benign (2). Last evaluated 2022-06-01.

Allele frequency attached by ClinVar (database versions not stated): gnomAD exomes below 0.00001; gnomAD 0.00001; TOPMed 0.00001.
gnomAD v4.1: 4 of 1,549,068 alleles (0.00026%); highest among the groups gnomAD compares: East Asian, 0.0024%; no homozygotes.

Submissions (2):

CeGaT Center for Human Genetics Tuebingen
Classification: Likely benign. Last evaluated: 2022-06-01. Review status: criteria provided, single submitter. Criteria: CeGaT Center For Human Genetics Tuebingen Variant Classification Criteria Version 2. Collection method: clinical testing. Allele origin: germline. Affected: yes. Observed: 1 variant allele.
Comment: MTMR14: BP4, BP7

Labcorp Genetics (formerly Invitae), Labcorp
Classification: Likely benign. Last evaluated: 2022-03-23. Review status: criteria provided, single submitter. Criteria: Invitae Variant Classification Sherloc (09022015). Collection method: clinical testing. Allele origin: germline.